The following is an entry in ClinVar:

NM_032709.3(PYROXD2):c.1279C>G (p.Leu427Val)

Gene: PYROXD2 (pyridine nucleotide-disulphide oxidoreductase domain 2; minus strand). Cytogenetic location: 10q24.2.
Variant type: single nucleotide variant.
Coding change: c.1279C>G on transcript NM_032709.3 (MANE Select); coding-DNA position 1279, C replaced by G.
Protein change: p.Leu427Val; replaces leucine 427 with valine.
Molecular consequence: missense variant.
Genome position (GRCh38, 1-based): chr10:98,390,611, G>C on the plus strand (C>G on the coding strand, the complement: PYROXD2 is on the minus strand). VCF-style: chr10-98390611-G-C. GRCh37 (hg19) VCF-style: chr10-100150368-G-C.
Other names: short protein forms L427V.
Identifiers: ClinVar variation 2640743 (VCV002640743.24), dbSNP rs1013524109, ClinGen allele CA378034558.

ClinVar aggregate classification (germline): Uncertain significance (1 of 4 stars; one submission).

gnomAD v4.1: 5 of 1,595,646 alleles (0.00031%); highest among the groups gnomAD compares: Non-Finnish European, 0.00043%; no homozygotes.

Submission:

CeGaT Center for Human Genetics Tuebingen
Classification: Uncertain significance. Last evaluated: 2023-01-01. Review status: criteria provided, single submitter. Criteria: CeGaT Center For Human Genetics Tuebingen Variant Classification Criteria Version 2. Collection method: clinical testing. Allele origin: germline. Affected: yes. Observed: 1 variant allele.
Comment: PYROXD2: PM2, BP4